The following is an entry in ClinVar:

NM_001267550.2(TTN):c.15177_15181delinsAGTACT (p.Asp5059fs)

Gene: TTN (titin; minus strand). Cytogenetic location: 2q31.2.
Variant type: Indel.
Coding change: c.15177_15181delinsAGTACT on transcript NM_001267550.2 (MANE Select); coding-DNA positions 15177 to 15181, CGTCG replaced by AGTACT.
Protein change: p.Asp5059fs; shifts the reading frame from aspartic acid 5059.
Molecular consequence: frameshift variant. On other transcripts: intron variant (3).
Genome position (GRCh38, 1-based): chr2:178,734,743-178,734,747, CGACG replaced by AGTACT on the plus strand (CGTCG replaced by AGTACT on the coding strand, the reverse complement: TTN is on the minus strand). VCF-style: chr2-178734743-CGACG-AGTACT. GRCh37 (hg19) VCF-style: chr2-179599470-CGACG-AGTACT.
Other names: c.14226_14230delinsAGTACT, p.Asp4742fs (NM_001256850.1); c.11445_11449delinsAGTACT, p.Asp3815fs (NM_133378.4); c.13282+3335_13282+3339delinsAGTACT (NM_003319.4); c.13858+3335_13858+3339delinsAGTACT (NM_133437.4); c.13657+3335_13657+3339delinsAGTACT (NM_133432.3); short protein forms D4742fs, D3815fs, D5059fs.
Identifiers: ClinVar variation 2935449 (VCV002935449.4), dbSNP rs2530291651, ClinGen allele CA2740096274.

ClinVar aggregate classification (germline): Likely pathogenic. Review status: criteria provided, multiple submitters, no conflicts (2 of 4 stars). 2 submissions from 2 submitters: Likely pathogenic (2). Last evaluated 2025-02-14.

Conditions:
Autosomal recessive limb-girdle muscular dystrophy type 2J (LGMDR10). Also called: Limb-girdle muscular dystrophy, type 2J; MUSCULAR DYSTROPHY, LIMB-GIRDLE, AUTOSOMAL RECESSIVE 10. Identifiers: Orphanet 140922, MedGen C1837342, MONDO:0012127, OMIM 608807.
Dilated cardiomyopathy 1G (CMD1G). Identifiers: Orphanet 154, MedGen C1858763, MONDO:0011400, OMIM 604145.
TTN-related disorder. Also called: TTN-related condition; TTN-related disease; TTN-related disorders.

Submissions (2):

PreventionGenetics, part of Exact Sciences
Classification: Likely pathogenic for TTN-related condition. Last evaluated: 2025-02-14. Review status: criteria provided, single submitter. Criteria: ACMG Guidelines, 2015. Collection method: clinical testing. Allele origin: germline.
Comment: The TTN c.15177_15181delinsAGTACT variant is predicted to result in a frameshift and premature protein termination (p.Asp5059Glufs*5). To our knowledge, this variant has not been reported in the literature or in a large population database, indicating this variant is rare. This variant is located in the TTN protein I-band region. RNAseq studies from heart tissue indicate this exon is not commonly included in TTN mRNA transcripts (PSI of 15%-29%); however, this analysis in muscle tissue was not performed (Roberts A.M. et al. 2015. PMID: 25589632). TTN truncating variants in the heterozygous state are reported in 1-2% of presumably healthy individuals and occur more frequently in exons with low PSI values, indicating this variant is less likely to cause TTN-related cardiac disorders (Roberts A.M. et al. 2015. PMID: 25589632; Herman D.S. et al. 2012. PMID: 22335739). However, many cases of recessive congenital titinopathies in which the individual is compound heterozygous for two loss of function variants in TTN have also been reported (See Ceyhan-Birsoy O. et al. 2013. PMID: 23975875; Chauveau C et al. 2014. PMID: 24105469; Evilä A et al. 2016. PMID: 27796757; Ge et al. 2019. PubMed ID: 31053406; Bryen et al. 2020. PubMed ID: 31660661).  In summary, this variant is likely pathogenic for autosomal recessive TTN-related disorders, but should be considered a variant of uncertain significance for dominant TTN-related disorders.

Labcorp Genetics (formerly Invitae), Labcorp
Classification: Likely pathogenic for Dilated cardiomyopathy 1G; Autosomal recessive limb-girdle muscular dystrophy type 2J. Last evaluated: 2024-10-18. Review status: criteria provided, single submitter. Criteria: Invitae Variant Classification Sherloc (09022015). Collection method: clinical testing. Allele origin: germline.
Comment: This sequence change creates a premature translational stop signal (p.Asp5059Glufs*5) in the TTN gene. While this is not anticipated to result in nonsense mediated decay, it is expected to create a truncated TTN protein. This variant is not present in population databases (gnomAD no frequency). This variant has not been reported in the literature in individuals affected with TTN-related conditions. Algorithms developed to predict the effect of sequence changes on RNA splicing suggest that this variant may disrupt the consensus splice site. This variant is located in the I band of TTN (PMID: 25589632). Truncating variants in this region have been reported in individuals affected with autosomal recessive centronuclear myopathy (PMID: 23975875, internal data). Truncating variants in this region have also been identified in individuals affected with autosomal dominant dilated cardiomyopathy and/or cardio-related conditions (PMID: 27869827, 32964742, internal data). In summary, the currently available evidence indicates that the variant is pathogenic, but additional data are needed to prove that conclusively. Therefore, this variant has been classified as Likely Pathogenic.

Literature cited by the submitters: PubMed 25589632 (cited by Labcorp Genetics (formerly Invitae), Labcorp); PubMed 23975875 (cited by Labcorp Genetics (formerly Invitae), Labcorp); PubMed 27869827 (cited by Labcorp Genetics (formerly Invitae), Labcorp); PubMed 32964742 (cited by Labcorp Genetics (formerly Invitae), Labcorp).